The following is an entry in ClinVar:

ClinVar aggregate classification (germline): Pathogenic. Review status: reviewed by expert panel (3 of 4 stars). 12 submissions from 12 submitters: Pathogenic (1). 11 of the submissions do not count toward it. Last evaluated 2016-09-08.

Conditions:
Hereditary cancer-predisposing syndrome. Also called: Tumor predisposition; Neoplastic Syndromes, Hereditary; Hereditary neoplastic syndrome; Hereditary Cancer Syndrome. Identifiers: Orphanet 140162, MedGen C0027672, MeSH D009386, MONDO:0015356.
Hereditary breast ovarian cancer syndrome. Also called: Hereditary breast and ovarian cancer; Hereditary breast and ovarian cancer syndrome (HBOC); Hereditary breast and/or ovarian cancer syndrome; Breast and ovarian cancer; Hereditary breast and ovarian cancer syndrome; BRCA1- and BRCA2-Associated Hereditary Breast and Ovarian Cancer. Identifiers: Orphanet 145, MedGen C0677776, MeSH D061325, MONDO:0003582. Disease mechanism: loss of function.
Breast-ovarian cancer, familial, susceptibility to, 2 (BROVCA2). Also called: BRCA2 Hereditary Breast and Ovarian Cancer. Identifiers: Orphanet 145, MedGen C2675520, MONDO:0012933, OMIM 612555. Disease mechanism: loss of function.
Familial cancer of breast. Also called: Hereditary breast cancer; BREAST CANCER, FAMILIAL; hereditary breast carcinoma. Identifiers: Orphanet 227535, MedGen C0346153, MONDO:0016419, OMIM 114480. Disease mechanism: loss of function.

Allele frequency attached by ClinVar (database versions not stated): TOPMed below 0.00001.

Submissions (12):

Evidence-based Network for the Interpretation of Germline Mutant Alleles (ENIGMA)
Classification: Pathogenic for Breast-ovarian cancer, familial, susceptibility to, 2. Last evaluated: 2016-09-08. Review status: reviewed by expert panel. Criteria: ENIGMA BRCA1/2 Classification Criteria (2015). Collection method: curation. Allele origin: germline.
Comment: Variant allele predicted to encode a truncated non-functional protein.

Labcorp Genetics (formerly Invitae), Labcorp
Classification: Pathogenic for Hereditary breast ovarian cancer syndrome. Last evaluated: 2025-11-04. Review status: criteria provided, single submitter. Criteria: Invitae Variant Classification Sherloc (09022015). Collection method: clinical testing. Allele origin: germline. Not counted in ClinVar's aggregate classification.
Comment: This sequence change creates a premature translational stop signal (p.Gln940*) in the BRCA2 gene. It is expected to result in an absent or disrupted protein product. Loss-of-function variants in BRCA2 are known to be pathogenic (PMID: 20104584). This variant is not present in population databases (gnomAD no frequency). This premature translational stop signal has been observed in individual(s) with breast cancer (PMID: 29021639). This variant is also known as c.3046C>T. ClinVar contains an entry for this variant (Variation ID: 37804). For these reasons, this variant has been classified as Pathogenic.

Color Diagnostics, LLC DBA Color Health
Classification: Pathogenic for Hereditary cancer-predisposing syndrome. Last evaluated: 2025-11-03. Review status: criteria provided, single submitter. Criteria: ACMG Guidelines, 2015. Collection method: clinical testing. Allele origin: germline. Not counted in ClinVar's aggregate classification.
Comment: This variant changes 1 nucleotide in exon 11 of the BRCA2 gene, creating a premature translation stop signal. This variant is expected to result in an absent or non-functional protein product. A functional study has reported that this variant impacts BRCA2 function in the rescue of survival in Brca2-deficient mouse ES cells in growth and cisplatin and PARP inhibitor sensitivity assays (PMID: 37922907). This variant has been reported in an individual affected with ovarian cancer and in one suspected hereditary breast and ovarian cancer family (PMID: 28888541, 29446198). Multifactorial analysis reached a combined likelihood ratio (LR) of 8.523 based on the personal and family history of three carriers (PMID: 31853058). This variant has not been identified in the general population by the Genome Aggregation Database (gnomAD). Loss of BRCA2 function is a known mechanism of disease. Based on the available evidence, this variant is classified as Pathogenic.

Ambry Genetics
Classification: Pathogenic for Hereditary cancer-predisposing syndrome. Last evaluated: 2025-05-21. Review status: criteria provided, single submitter. Criteria: Ambry Variant Classification Scheme 2023. Collection method: clinical testing. Allele origin: germline. Not counted in ClinVar's aggregate classification.
Comment: The p.Q940* pathogenic mutation (also known as c.2818C>T), located in coding exon 10 of the BRCA2 gene, results from a C to T substitution at nucleotide position 2818. This changes the amino acid from a glutamine to a stop codon within coding exon 10. This alteration, designated as C3045T, has also been reported in a cohort of 853 Colombian individuals referred for BRCA1 and BRCA2 testing (Brice&ntilde;o-Balc&aacute;zar I et al. Colomb. Med., 2017 Jun;48:58-63). This variant is considered to be rare based on population cohorts in the Genome Aggregation Database (gnomAD). In addition to the clinical data presented in the literature, this alteration is expected to result in loss of function by premature protein truncation or nonsense-mediated mRNA decay. As such, this alteration is interpreted as a disease-causing mutation.

Baylor Genetics
Classification: Pathogenic for Familial cancer of breast. Last evaluated: 2023-07-14. Review status: criteria provided, single submitter. Criteria: ACMG Guidelines, 2015. Collection method: clinical testing. Allele origin: unknown. Not counted in ClinVar's aggregate classification.

Quest Diagnostics Nichols Institute San Juan Capistrano
Classification: Pathogenic. Last evaluated: 2023-07-12. Review status: criteria provided, single submitter. Criteria: Quest Diagnostics criteria. Collection method: clinical testing. Allele origin: unknown. Not counted in ClinVar's aggregate classification.
Comment: This variant causes the premature termination of BRCA2 protein synthesis. In the published literature, this variant has been reported in individuals with breast cancer (PMID: 29021639 (2017)) and ovarian cancer (PMID: 28888541 (2017)). This variant was also identified in an individual with Fanconi Anemia (PMID: 34687993 (2021)). This variant has not been reported in large, multi-ethnic general populations (Genome Aggregation Database). Based on the available information, this variant is classified as pathogenic.

Women's Health and Genetics/Laboratory Corporation of America, LabCorp
Classification: Pathogenic for Hereditary breast ovarian cancer syndrome. Last evaluated: 2021-07-12. Review status: criteria provided, single submitter. Criteria: LabCorp Variant Classification Summary - May 2015. Collection method: clinical testing. Allele origin: germline. Not counted in ClinVar's aggregate classification.
Comment: Variant summary: BRCA2 c.2818C>T (p.Gln940X) results in a premature termination codon, predicted to cause a truncation of the encoded protein or absence of the protein due to nonsense mediated decay, which are commonly known mechanisms for disease. Truncations downstream of this position have been classified as pathogenic by our laboratory. The variant was absent in 250674 control chromosomes (gnomAD). The variant c.2818C>T (also known as C3046T) has been reported in the literature in individuals affected with breast cancer (Briceno-Balcazar_2017, Rebbeck_2018). These data indicate that the variant likely associated with disease. To our knowledge, no experimental evidence demonstrating an impact on protein function has been reported. Seven submitters, including an expert panel (ENIGMA), have provided clinical-significance assessments for this variant in ClinVar after 2014, and all of them classified the variant as pathogenic. Based on the evidence outlined above, the variant was classified as pathogenic.

GeneDx
Classification: Pathogenic. Last evaluated: 2020-10-16. Review status: criteria provided, single submitter. Criteria: GeneDx Variant Classification Process June 2021. Collection method: clinical testing. Allele origin: germline. Affected: yes. Not counted in ClinVar's aggregate classification.
Comment: Nonsense variant predicted to result in protein truncation or nonsense mediated decay in a gene for which loss-of-function is a known mechanism of disease; Truncating variants in this gene are considered pathogenic by a well-established clinical consortium and/or database; Observed in an individual with a BRCA2-related cancer (Briceno-Balcazar 2017); Not observed in large population cohorts (Lek 2016); Also known as BRCA2 3046C>T; This variant is associated with the following publications: (PMID: 28152038, 29446198, 29021639)

Laboratory for Molecular Medicine, Mass General Brigham Personalized Medicine
Classification: Pathogenic for Hereditary breast ovarian cancer syndrome. Last evaluated: 2019-02-08. Review status: criteria provided, single submitter. Criteria: ACMG Guidelines, 2015. Collection method: clinical testing. Allele origin: germline. Inheritance: Autosomal dominant inheritance. Not counted in ClinVar's aggregate classification.
Comment: The p.Gln940X variant in BRCA2 has been previously identified in at least 3 individuals with BRCA2-associated cancer (Breast Information Core Database (BIC), LaDuca 2017, ClinVar) and was absent from large population studies. In addition, this variant was classified as Pathogenic on September 8, 2016 by the ClinGen-approved ENIGMA expert panel (ClinVar SCV000300562.2). This nonsense variant leads to a premature termination codon at position 940 which is predicted to lead to a truncated or absent protein. Heterozygous loss of function of the BRCA2 gene is an established disease mechanism in hereditary breast and ovarian cancer. In summary, this variant meets criteria to be classified as pathogenic for hereditary breast and ovarian cancer in an autosomal dominant manner. ACMG/AMP Criteria applied: PVS1, PM2, PS4_supporting.

Consortium of Investigators of Modifiers of BRCA1/2 (CIMBA), c/o University of Cambridge
Classification: Pathogenic for Breast-ovarian cancer, familial, susceptibility to, 2. Last evaluated: 2015-10-02. Review status: criteria provided, single submitter. Criteria: CIMBA Mutation Classification guidelines May 2016. Collection method: clinical testing. Allele origin: germline. Not counted in ClinVar's aggregate classification.

Sharing Clinical Reports Project (SCRP)
Classification: Pathogenic for Breast-ovarian cancer, familial 2. Last evaluated: 2012-05-09. Review status: no assertion criteria provided. Collection method: clinical testing. Allele origin: germline. Not counted in ClinVar's aggregate classification.

Breast Cancer Information Core (BIC) (BRCA2)
Classification: Pathogenic for Breast-ovarian cancer, familial 2. Last evaluated: 2004-02-20. Review status: no assertion criteria provided. Collection method: clinical testing. Allele origin: germline. Affected: yes. Observed: 2 variant alleles. Not counted in ClinVar's aggregate classification.

Literature cited by the submitters: PubMed 20104584 (cited by Labcorp Genetics (formerly Invitae), Labcorp); PubMed 29021639 (cited by 4 submitters); PubMed 28888541 (cited by Color Diagnostics, LLC DBA Color Health and Quest Diagnostics Nichols Institute San Juan Capistrano); PubMed 29446198 (cited by 4 submitters); PubMed 31853058 (cited by Color Diagnostics, LLC DBA Color Health); PubMed 37922907 (cited by Color Diagnostics, LLC DBA Color Health); PubMed 28152038 (cited by 3 submitters); PubMed 34687993 (cited by Quest Diagnostics Nichols Institute San Juan Capistrano).

NM_000059.4(BRCA2):c.2818C>T (p.Gln940Ter)

Gene: BRCA2 (BRCA2 DNA repair associated; plus strand). Cytogenetic location: 13q13.1.
Variant type: single nucleotide variant.
Coding change: c.2818C>T on transcript NM_000059.4 (MANE Select); coding-DNA position 2818, C replaced by T.
Protein change: p.Gln940Ter; replaces glutamine 940 with a stop codon.
Molecular consequence: nonsense.
Genome position (GRCh38, 1-based): chr13:32,337,173, C>T. VCF-style: chr13-32337173-C-T. GRCh37 (hg19) VCF-style: chr13-32911310-C-T.
Other names: 3046C>T; short protein forms Q940*.
Identifiers: ClinVar variation 37804 (VCV000037804.29), dbSNP rs80358532, ClinGen allele CA016502.